The following is an entry in ClinVar:

ClinVar aggregate classification (germline): Conflicting classifications of pathogenicity. Review status: criteria provided, conflicting classifications (1 of 4 stars). 13 submissions from 13 submitters: Uncertain significance (7); Likely benign (6). Last evaluated 2026-01-31.

Conditions:
Connective tissue disorder. Also called: Connective tissue disease. Identifiers: MedGen C0009782, MONDO:0003900.
Congenital contractural arachnodactyly (CCA). Also called: BEALS SYNDROME; Beals-Hecht syndrome; Arthrogryposis, distal, type 9. Identifiers: Orphanet 115, MedGen C0220668, MONDO:0007363, OMIM 121050.
Familial thoracic aortic aneurysm and aortic dissection (TAAD). Also called: Thoracic aortic aneurysms and dissections. Identifiers: Orphanet 91387, MedGen C4707243, MONDO:0019625.

Allele frequency attached by ClinVar (database versions not stated): ExAC 0.00019; gnomAD 0.00021; gnomAD exomes 0.00021; TOPMed 0.00025.
gnomAD v4.1: 349 of 1,614,010 alleles (0.022%); highest among the groups gnomAD compares: Middle Eastern, 0.12%; no homozygotes.

Submissions (14):

Labcorp Genetics (formerly Invitae), Labcorp
Classification: Likely benign for Congenital contractural arachnodactyly. Last evaluated: 2026-01-31. Review status: criteria provided, single submitter. Criteria: Invitae Variant Classification Sherloc (09022015). Collection method: clinical testing. Allele origin: germline.

CeGaT Center for Human Genetics Tuebingen
Classification: Likely benign. Last evaluated: 2026-01-01. Review status: criteria provided, single submitter. Criteria: CeGaT Center For Human Genetics Tuebingen Variant Classification Criteria Version 2. Collection method: clinical testing. Allele origin: germline. Affected: yes. Observed: 4 variant alleles.
Comment: FBN2: BP4

Women's Health and Genetics/Laboratory Corporation of America, LabCorp
Classification: Likely benign. Last evaluated: 2025-11-12. Review status: criteria provided, single submitter. Criteria: LabCorp Variant Classification Summary - May 2015. Collection method: clinical testing. Allele origin: germline.
Comment: Variant summary: FBN2 c.8282C>T (p.Ala2761Val) results in a non-conservative amino acid change in the encoded protein sequence. Algorithms developed to predict the effect of missense changes on protein structure and function are either unavailable or do not agree on the potential impact of this missense change. The variant allele was found at a frequency of 0.00021 in 251164 control chromosomes. The observed variant frequency exceeds the estimated maximal expected allele frequency for disease-causing variants in FBN2. To our knowledge, no occurrence of c.8282C>T in individuals affected with FBN2-related conditions and no experimental evidence demonstrating its impact on protein function have been reported. ClinVar contains an entry for this variant (Variation ID: 213370). Based on the evidence outlined above, the variant was classified as likely benign.

Ambry Genetics
Classification: Uncertain significance for Familial thoracic aortic aneurysm and aortic dissection. Last evaluated: 2025-07-08. Review status: criteria provided, single submitter. Criteria: Ambry Variant Classification Scheme 2023. Collection method: clinical testing. Allele origin: germline.
Comment: The p.A2761V variant (also known as c.8282C>T), located in coding exon 64 of the FBN2 gene, results from a C to T substitution at nucleotide position 8282. The alanine at codon 2761 is replaced by valine, an amino acid with similar properties. This amino acid position is not well conserved in available vertebrate species. In addition, this alteration is predicted to be tolerated by in silico analysis. Based on the available evidence, the clinical significance of this variant remains unclear.

Mayo Clinic Laboratories, Mayo Clinic
Classification: Likely benign. Last evaluated: 2025-01-31. Review status: criteria provided, single submitter. Criteria: ACMG Guidelines, 2015. Collection method: clinical testing. Allele origin: germline. Observed: 2 variant alleles.
Comment: BS1, BP4

Blueprint Genetics
Classification: Likely benign. Last evaluated: 2024-11-07. Review status: criteria provided, single submitter. Criteria: ACMG Guidelines, 2015. Collection method: clinical testing. Allele origin: germline.

GeneDx
Classification: Uncertain significance. Last evaluated: 2024-09-10. Review status: criteria provided, single submitter. Criteria: GeneDx Variant Classification Process June 2021. Collection method: clinical testing. Allele origin: germline. Affected: yes.
Comment: Has not been previously published as pathogenic or benign to our knowledge; In silico analysis supports that this missense variant has a deleterious effect on protein structure/function; This variant is associated with the following publications: (PMID: 18767143)

Victorian Clinical Genetics Services, Murdoch Childrens Research Institute
Classification: Uncertain significance for Congenital contractural arachnodactyly. Last evaluated: 2020-06-11. Review status: criteria provided, single submitter. Criteria: ACMG Guidelines, 2015. Collection method: clinical testing. Allele origin: germline. Inheritance: Autosomal dominant inheritance.
Comment: Based on the classification scheme VCGS_Germline_v1.1.1, this variant is classified as VUS–3C. Following criteria are met: 0102 - Loss-of-function is a known mechanism of disease for this gene. (N) 0107 - This gene is known to be associated with autosomal dominant disease. (N) 0200 - Variant is predicted to result in a missense amino acid change from alanine to valine (exon 64). (N) 0251 - Variant is heterozygous. (N) 0302 - Variant is present in gnomAD <0.001 for a dominant condition (55 heterozygotes, 0 homozygotes). (P) 0503 - Missense variant consistently predicted to be tolerated or not conserved in mammals with a minor amino acid change. (B) 0604 - Variant is not located in an established domain, motif, hotspot or informative constraint region. (N) 0705 - No comparable variants have previous evidence for pathogenicity. (N) 0804 - Variant previously been described as variant of uncertain significance (VUS). Six VUS entries in ClinVar. Previously observed in the VCGS cardiomyopathy cohort. (N) 0905 - No segregation evidence has been identified for this variant. (N) 1007 - No published functional evidence has been identified for this variant. (N) 1208 - Inheritance information for this variant is not currently available. (N) Legend: (P) – Pathogenic, (N) – Neutral, (B) – Benign

Genome Diagnostics Laboratory, The Hospital for Sick Children
Classification: Uncertain significance for Connective tissue disorder. Last evaluated: 2019-12-01. Review status: criteria provided, single submitter. Criteria: ACMG Guidelines, 2015. Collection method: clinical testing. Allele origin: germline.

Laboratorio de Genetica e Diagnostico Molecular, Hospital Israelita Albert Einstein
Classification: Uncertain significance. Last evaluated: 2019-05-27. Review status: criteria provided, single submitter. Criteria: ACMG Guidelines, 2015. Collection method: clinical testing. Allele origin: germline. Affected: yes.
Comment: ACMG classification criteria: PM2, BP4

Illumina Laboratory Services, Illumina
Classification: Likely benign for Congenital contractural arachnodactyly. Last evaluated: 2018-01-13. Review status: criteria provided, single submitter. Criteria: ICSL Variant Classification Criteria 13 December 2019. Collection method: clinical testing. Allele origin: germline.
Comment: This variant was observed in the ICSL laboratory as part of a predisposition screen in an ostensibly healthy population. It had not been previously curated by ICSL or reported in the Human Gene Mutation Database (HGMD: prior to June 1st, 2018), and was therefore a candidate for classification through an automated scoring system. Utilizing variant allele frequency, disease prevalence and penetrance estimates, and inheritance mode, an automated score was calculated to assess if this variant is too frequent to cause the disease. Based on the score and internal cut-off values, a variant classified as likely benign is not then subjected to further curation. The score for this variant resulted in a classification of likely benign for this disease.

ARUP Laboratories, Molecular Genetics and Genomics, ARUP Laboratories
Classification: Uncertain significance. Last evaluated: 2017-05-02. Review status: criteria provided, single submitter. Criteria: ARUP Molecular Germline Variant Investigation Process. Collection method: clinical testing. Allele origin: germline.
Comment: The p.Ala2761Val variant (rs201962592) has not been reported in the medical literature, gene specific variation databases, but it has been reported to ClinVar (see link below). This variant is listed in the Exome Aggregation Consortium Browser with a population frequency of 0.03 percent (identified on 20 out of 66,740 chromosomes) in non-Finnish European population. The alanine at position 2761 is highly conserved (up to Chicken, considering 11 species) (Alamut v.2.8.1) but Zebra-finch has valine at this position, and this non-cysteine residue is not located in the EGF-like domain. Computational analyses of the effects of the p.Ala2761Val variant on protein structure and function provide conflicting results (SIFT: tolerated, MutationTaster: disease causing, PolyPhen-2: benign). Altogether, there is not enough evidence to classify the p.Ala2761Val variant with certainty.

Center for Human Genetics, Inc
Classification: Uncertain significance for Congenital contractural arachnodactyly. Last evaluated: 2016-11-01. Review status: criteria provided, single submitter. Criteria: ACMG Guidelines, 2015. Collection method: clinical testing. Allele origin: germline. Affected: yes.

Dr. Peter K. Rogan Lab, Western University
No classification provided (evidence only). Condition: Uterine corpus endometrial carcinoma. Review status: no classification provided. Collection method: in vitro. Allele origin: not applicable. Functional consequence: retained intron. Not counted in ClinVar's aggregate classification.

NM_001999.4(FBN2):c.8282C>T (p.Ala2761Val)

Gene: FBN2 (fibrillin 2; minus strand). Cytogenetic location: 5q23.3.
Variant type: single nucleotide variant.
Coding change: c.8282C>T on transcript NM_001999.4 (MANE Select); coding-DNA position 8282, C replaced by T.
Protein change: p.Ala2761Val; replaces alanine 2761 with valine.
Molecular consequence: missense variant.
Genome position (GRCh38, 1-based): chr5:128,261,818, G>A on the plus strand (C>T on the coding strand, the complement: FBN2 is on the minus strand). VCF-style: chr5-128261818-G-A. GRCh37 (hg19) VCF-style: chr5-127597510-G-A.
Other names: short protein forms A2761V.
Identifiers: ClinVar variation 213370 (VCV000213370.74), dbSNP rs201962592, ClinGen allele CA322766.